The following continues an entry in ClinVar:

NM_000478.6(ALPL):c.407G>A (p.Arg136His)

Gene: ALPL. ClinVar aggregate classification (germline): Pathogenic/Likely pathogenic. Pathogenic (25); Likely pathogenic (1).

Submissions 9 to 21 of 30:

Victorian Clinical Genetics Services, Murdoch Childrens Research Institute
Classification: Pathogenic for ALPL-related autosomal recessive hypophosphatasia. Last evaluated: 2025-05-14. Review status: criteria provided, single submitter. Criteria: ACMG Guidelines, 2015. Collection method: clinical testing. Allele origin: germline. Affected: yes.
Comment: This variant is classified as Pathogenic. Evidence in support of pathogenic classification: Variant is present in gnomAD <0.01 (v4: 172 heterozygote(s), 0 homozygote(s)); This variant has strong previous evidence of pathogenicity in unrelated individuals. This variant has been classified as pathogenic by multiple clinical laboratories (ClinVar). This variant has been reported in the literature in heterozygotes with later onset hypophosphatasemia, and in compound heterozygotes with severe childhood or infantile hypophosphatasemia (PMIDs: 36708496, 34213743, 25731960, 31707452); This variant has moderate functional evidence supporting abnormal protein function. An In vitro alkaline phosphatase activity assay in COS7 cells demonstrated this variant has reduced enzyme activity compared to wild type (PMID: 19500388). However, co-transfection studies demonstrated that this variant does not have a dominant negative effect (PMID: 19500388). Additional information: Variant is predicted to result in a missense amino acid change from arginine to histidine; This variant is heterozygous; This gene is associated with both recessive and dominant disease. Severe forms of hypophosphatasia (perinatal and infantile) are generally associated with autosomal recessive disease, while the milder forms of hypophosphatasia (childhood, adult and odontohypophosphatasia) have been associated with both autosomal dominant and recessive disease (PMIDs: 19500388, 23688511); Alternative amino acid change(s) at the same position are present in gnomAD (Highest alelle count: v4: 4 heterozygote(s), 0 homozygote(s)); Variant is located in the annotated alkaline phosphatase domain (DECIPHER); Missense variant with inconclusive in silico prediction and uninformative conservation; Dominant negative and loss of function are known mechanisms of disease in this gene. Late-onset/mild disease is associated with monoallelic dominant negative variants or biallelic loss of function variants that retain residual enzyme activity, while early-onset/severe disease is caused by more complete loss of function variants (PMIDs: 20301329, 19500388); The condition associated with this gene has incomplete penetrance (PMID: 20301329); Variants in this gene are known to have variable expressivity (PMID: 20301329).

Revvity Omics, Revvity
Classification: Pathogenic. Last evaluated: 2024-11-12. Review status: criteria provided, single submitter. Criteria: ACMG Guidelines, 2015. Collection method: clinical testing. Allele origin: germline.

Dubai Health Genomic Medicine Center, Dubai Health
Classification: Pathogenic for Odontohypophosphatasia. Last evaluated: 2024-10-04. Review status: criteria provided, single submitter. Criteria: ACMG Guidelines, 2015. Collection method: research. Allele origin: germline. Affected: yes.
Comment: PS3,PM3(strong),PM2,PP3,PM5

Blueprint Genetics
Classification: Pathogenic for ALPL-related disorders. Last evaluated: 2024-09-18. Review status: criteria provided, single submitter. Criteria: ACMG Guidelines, 2015. Collection method: clinical testing. Allele origin: germline. Affected: yes. Observed: 5 variant alleles.

Women's Health and Genetics/Laboratory Corporation of America, LabCorp
Classification: Pathogenic for Hypophosphatasia. Last evaluated: 2024-07-22. Review status: criteria provided, single submitter. Criteria: LabCorp Variant Classification Summary - May 2015. Collection method: clinical testing. Allele origin: germline.
Comment: Variant summary: ALPL c.407G>A (p.Arg136His) results in a non-conservative amino acid change in the encoded protein sequence. Four of five in-silico tools predict a damaging effect of the variant on protein function. The variant allele was found at a frequency of 0.00014 in 250880 control chromosomes. This frequency is not significantly higher than estimated for a pathogenic variant in ALPL causing Hypophosphatasia (0.00014 vs 0.0035), allowing no conclusion about variant significance. c.407G>A has been reported in the literature as compound heterozygous genotype in multiple individuals affected with autosomal recessive Hypophosphatasia and a fetus with skeletal dysplasia (Taillandier_1999, Okawa_2019, Zhang_2021, del Angel_2020, Bai_2022). These data indicate that the variant is very likely to be associated with disease. A different variant affecting the same codon has been classified as pathogenic by our lab (c.406C>T, p.Arg136Cys), supporting the critical relevance of codon 136 to ALPL protein function. Two publications report experimental evidence evaluating an impact on protein function. The most pronounced variant effect results in 10%-<30% residual enzymatic activity of the wild type protein and this variant has also been shown to have a dominant negative effect (Fauvert_2009, del Angel_2020). The following publications have been ascertained in the context of this evaluation (PMID: 36352425, 19500388, 31707452, 31600233, 10094560, 34712267, 32160374). ClinVar contains an entry for this variant (Variation ID: 13675). Based on the evidence outlined above, the variant was classified as pathogenic.

Institute of Immunology and Genetics Kaiserslautern
Classification: Pathogenic for Adult hypophosphatasia. Last evaluated: 2024-06-11. Review status: criteria provided, single submitter. Criteria: ACMG Guidelines, 2015. Collection method: clinical testing. Allele origin: germline.
Comment: ACMG Criteria: PS3, PS4, PM1, PM2, PM3, PM5, PP1, PP3, PP4, PP5; Variant was found in heterozygous state.

Fulgent Genetics
Classification: Pathogenic for Adult hypophosphatasia; Infantile hypophosphatasia; Childhood hypophosphatasia. Last evaluated: 2024-05-22. Review status: criteria provided, single submitter. Criteria: ACMG Guidelines, 2015. Collection method: clinical testing. Allele origin: germline.

Johns Hopkins Genomics, Johns Hopkins University
Classification: Pathogenic for Adult hypophosphatasia. Last evaluated: 2024-04-15. Review status: criteria provided, single submitter. Criteria: ACMG Guidelines, 2015. Collection method: clinical testing. Allele origin: germline.
Comment: This ALPL missense variant has been reported in the heterozygous as well as compound heterozygous states in several individuals with ALPL-related disorders and its pathogenicity is supported by functional studies. This variant (rs121918011) is rare (<0.1%) in a large population dataset (gnomAD v4.0.0: 172/1613786 total alleles; 0.01%; no homozygotes), and has been reported in ClinVar (Variation ID 13675). We consider c.407G>A in ALPL to be pathogenic.

Genomic Medicine Center of Excellence, King Faisal Specialist Hospital and Research Centre
Classification: Pathogenic for Adult hypophosphatasia. Last evaluated: 2024-03-25. Review status: criteria provided, single submitter. Criteria: ACMG Guidelines, 2015. Collection method: clinical testing. Allele origin: germline.

Baylor Genetics
Classification: Pathogenic for Adult hypophosphatasia. Last evaluated: 2024-03-23. Review status: criteria provided, single submitter. Criteria: ACMG Guidelines, 2015. Collection method: clinical testing. Allele origin: unknown.

Clinical Genetics Laboratory, Skane University Hospital Lund
Classification: Pathogenic. Last evaluated: 2022-05-27. Review status: criteria provided, single submitter. Criteria: ACMG Guidelines, 2015. Collection method: clinical testing. Allele origin: germline. Affected: yes.

Genetics and Molecular Pathology, SA Pathology
Classification: Pathogenic for Hypophosphatasia. Last evaluated: 2021-04-21. Review status: criteria provided, single submitter. Criteria: ACMG Guidelines, 2015. Collection method: clinical testing. Allele origin: germline. Affected: yes.

ARUP Laboratories, Molecular Genetics and Genomics, ARUP Laboratories
Classification: Pathogenic. Last evaluated: 2020-01-24. Review status: criteria provided, single submitter. Criteria: ARUP Molecular Germline Variant Investigation Process. Collection method: clinical testing. Allele origin: germline.
Comment: The ALPL c.407G>A; p.Arg136His variant (rs121918011), also known as R119H, is reported in the literature in multiple individuals affected with hypophosphatasia, including many individuals who have another pathogenic variant on the opposite chromosome (Brun-Heath 2005, Cui 2012, Mumm 2002, Taillandier 1999, Taillandier 2001, Taillandier 2018, Taketani 2014, Whyte 2012, Whyte 2015). This variant is reported in ClinVar (Variation ID: 13675), and is found in the general population with an overall allele frequency of 0.013% (36/282262 alleles) in the Genome Aggregation Database. The arginine at codon 136 is moderately conserved, and computational analyses (SIFT: tolerated, PolyPhen-2: probably damaging) predict conflicting effects of this variant on protein structure/function. However, in vitro functional analyses demonstrate a significant reduction in protein activity (Fauvert 2009). Additionally, other amino acid substitutions at this codon (Cys, Leu, Pro) have been reported in individuals with hypophosphatasia (Cui 2012, Taillandier 2018, Yang 2013). Based on available information, this variant is considered to be pathogenic. References: Brun-Heath I et al. Characterization of 11 novel mutations in the tissue non-specific alkaline phosphatase gene responsible for hypophosphatasia and genotype-phenotype correlations. Mol Genet Metab. 2005 Mar;84(3):273-7. Cui Y et al. A systematic review of genetic skeletal disorders reported in Chinese biomedical journals between 1978 and 2012. Orphanet J Rare Dis. 2012 Aug 22;7:55. Fauvert D et al. Mild forms of hypophosphatasia mostly result from dominant negative effect of severe alleles or from compound heterozygosity for severe and moderate alleles. BMC Med Genet. 2009 Jun 6;10:51. Mumm S et al. Denaturing gradient gel electrophoresis analysis of the tissue nonspecific alkaline phosphatase isoenzyme gene in hypophosphatasia. Mol Genet Metab. 2002 Feb;75(2):143-53. Taillandier A et al. Characterization of eleven novel mutations (M45L, R119H, 544delG, G145V, H154Y, C184Y, D289V, 862+5A, 1172delC, R411X, E459K) in the tissue-nonspecific alkaline phosphatase (TNSALP) gene in patients with severe hypophosphatasia. Mutations in brief no. 217. Online. Hum Mutat. 1999;13(2):171-2. Taillandier A et al. Twelve novel mutations in the tissue-nonspecific alkaline phosphatase gene (ALPL) in patients with various forms of hypophosphatasia. Hum Mutat. 2001;18(1):83-4. Taillandier A et al. Genetic analysis of adults heterozygous for ALPL mutations. J Bone Miner Metab. 2018 Nov;36(6):723-733. Taketani T et al. Clinical and genetic aspects of hypophosphatasia in Japanese patients. Arch Dis Child. 2014 Mar;99(3):211-5. Whyte MP et al. Enzyme-replacement therapy in life-threatening hypophosphatasia. N Engl J Med. 2012 Mar 8;366(10):904-13. Whyte MP et al. Hypophosphatasia: validation and expansion of the clinical nosology for children from 25 years experience with 173 pediatric patients. Bone. 2015 Jun;75:229-39. Yang H et al. Characterization of six missense mutations in the tissue-nonspecific alkaline phosphatase (TNSALP) gene in Chinese children with hypophosphatasia. Cell Physiol Biochem. 2013;32(3):635-44.